The following is an entry in ClinVar:

ClinVar aggregate classification (germline): Uncertain significance (1 of 4 stars; one submission).

Conditions:
Glucose-6-phosphate transport defect (GSD1B). Also called: GSD Ib; Glycogen Storage Disease Type Ib. Identifiers: Orphanet 364, Orphanet 79259, MedGen C0268146, MONDO:0009288, OMIM 232220.

Submission:

Labcorp Genetics (formerly Invitae), Labcorp
Classification: Uncertain significance for Glucose-6-phosphate transport defect. Last evaluated: 2025-04-08. Review status: criteria provided, single submitter. Criteria: Invitae Variant Classification Sherloc (09022015). Collection method: clinical testing. Allele origin: germline.
Comment: This sequence change falls in intron 6 of the SLC37A4 gene. It does not directly change the encoded amino acid sequence of the SLC37A4 protein. It affects a nucleotide within the consensus splice site. This variant is present in population databases (no rsID available, gnomAD 0.0009%). This variant has not been reported in the literature in individuals affected with SLC37A4-related conditions. ClinVar contains an entry for this variant (Variation ID: 3615252). Experimental studies and prediction algorithms are not available or were not evaluated, and the functional significance of this variant is currently unknown. Variants that disrupt the consensus splice site are a relatively common cause of aberrant splicing (PMID: 17576681, 9536098). Algorithms developed to predict the effect of sequence changes on RNA splicing suggest that this variant may create or strengthen a splice site. In summary, the available evidence is currently insufficient to determine the role of this variant in disease. Therefore, it has been classified as a Variant of Uncertain Significance.

Literature cited by the submitters: PubMed 17576681; PubMed 9536098.

NM_001164277.2(SLC37A4):c.785+5G>T

Gene: SLC37A4 (solute carrier family 37 member 4; minus strand). Cytogenetic location: 11q23.3.
Variant type: single nucleotide variant.
Coding change: c.785+5G>T on transcript NM_001164277.2 (MANE Select); 5 bases into the intron after coding-DNA position 785, G replaced by T.
Molecular consequence: intron variant.
Genome position (GRCh38, 1-based): chr11:119,026,932, C>A on the plus strand (G>T on the coding strand, the complement: SLC37A4 is on the minus strand). VCF-style: chr11-119026932-C-A. GRCh37 (hg19) VCF-style: chr11-118897642-C-A.
Other names: c.566+5G>T (NM_001164279.2); c.785+5G>T (NM_001467.6, NM_001164278.2, NM_001164280.2).
Identifiers: ClinVar variation 3615252 (VCV003615252.2).